The following is an entry in ClinVar:

NM_006904.7(PRKDC):c.11204C>G (p.Pro3735Arg)

Gene: PRKDC (protein kinase, DNA-activated, catalytic subunit; minus strand). Cytogenetic location: 8q11.21.
Variant type: single nucleotide variant.
Coding change: c.11204C>G on transcript NM_006904.7 (MANE Select); coding-DNA position 11204, C replaced by G.
Protein change: p.Pro3735Arg; replaces proline 3735 with arginine.
Molecular consequence: missense variant.
Genome position (GRCh38, 1-based): chr8:47,782,570, G>C on the plus strand (C>G on the coding strand, the complement: PRKDC is on the minus strand). VCF-style: chr8-47782570-G-C. GRCh37 (hg19) VCF-style: chr8-48695131-G-C.
Other names: c.11204C>G, p.Pro3735Arg (NM_001081640.2); short protein forms P3735R.
Identifiers: ClinVar variation 2449854 (VCV002449854.2), dbSNP rs2551860431, ClinGen allele CA371130249.

ClinVar aggregate classification (germline): Uncertain significance (1 of 4 stars; one submission).

Submission:

Ambry Genetics
Classification: Uncertain significance. Last evaluated: 2023-01-02. Review status: criteria provided, single submitter. Criteria: Ambry Variant Classification Scheme 2023. Collection method: clinical testing. Allele origin: germline.
Comment: The p.P3735R variant (also known as c.11204C>G), located in coding exon 79 of the PRKDC gene, results from a C to G substitution at nucleotide position 11204. The proline at codon 3735 is replaced by arginine, an amino acid with dissimilar properties. This amino acid position is conserved. Since supporting evidence is limited at this time, the clinical significance of this alteration remains unclear.